The following is an entry in ClinVar:

NM_001024630.4(RUNX2):c.871G>T (p.Ala291Ser)

Gene: RUNX2 (RUNX family transcription factor 2; plus strand). Cytogenetic location: 6p21.1.
Variant type: single nucleotide variant.
Coding change: c.871G>T on transcript NM_001024630.4 (MANE Select); coding-DNA position 871, G replaced by T.
Protein change: p.Ala291Ser; replaces alanine 291 with serine.
Molecular consequence: missense variant.
Genome position (GRCh38, 1-based): chr6:45,512,257, G>T. VCF-style: chr6-45512257-G-T. GRCh37 (hg19) VCF-style: chr6-45479994-G-T.
Other names: c.871G>T, p.Ala291Ser (NM_001015051.4); c.829G>T, p.Ala277Ser (NM_001278478.2, NM_001369405.1); short protein forms A291S, A277S.
Identifiers: ClinVar variation 1517201 (VCV001517201.6), dbSNP rs1244922471, ClinGen allele CA363955849.

ClinVar aggregate classification (germline): Uncertain significance (1 of 4 stars; one submission).

Submission:

Labcorp Genetics (formerly Invitae), Labcorp
Classification: Uncertain significance. Last evaluated: 2023-08-04. Review status: criteria provided, single submitter. Criteria: Invitae Variant Classification Sherloc (09022015). Collection method: clinical testing. Allele origin: germline.
Comment: ClinVar contains an entry for this variant (Variation ID: 1517201). In summary, the available evidence is currently insufficient to determine the role of this variant in disease. Therefore, it has been classified as a Variant of Uncertain Significance. Advanced modeling of protein sequence and biophysical properties (such as structural, functional, and spatial information, amino acid conservation, physicochemical variation, residue mobility, and thermodynamic stability) performed at Invitae indicates that this missense variant is not expected to disrupt RUNX2 protein function. This variant has not been reported in the literature in individuals affected with RUNX2-related conditions. This variant is not present in population databases (gnomAD no frequency). This sequence change replaces alanine, which is neutral and non-polar, with serine, which is neutral and polar, at codon 291 of the RUNX2 protein (p.Ala291Ser).